The following is an entry in ClinVar:

ClinVar aggregate classification (germline): Conflicting classifications of pathogenicity. Review status: criteria provided, conflicting classifications (1 of 4 stars). 3 submissions from 3 submitters: Uncertain significance (2); Benign (1). Last evaluated 2023-07-01.

Conditions:
Smith-Lemli-Opitz syndrome (SLOS). Also called: LETHAL ACRODYSGENITAL SYNDROME; POLYDACTYLY, SEX REVERSAL, RENAL HYPOPLASIA, AND UNILOBAR LUNG; RSH SYNDROME; RUTLEDGE LETHAL MULTIPLE CONGENITAL ANOMALY SYNDROME; 7-Dehydrocholesterol reductase deficiency. Identifiers: Orphanet 818, MedGen C0175694, MONDO:0010035, OMIM 270400.

Allele frequency attached by ClinVar (database versions not stated): 1000 Genomes Project 0.00240; 1000 Genomes Project 30x 0.00265; gnomAD 0.00657 and 0.00672; TOPMed 0.00658; gnomAD exomes 0.00843 and 0.00844; ExAC 0.00990.
gnomAD v4.1: 5,566 of 691,308 alleles (0.81%); highest among the groups gnomAD compares: Non-Finnish European, 0.98%; 35 homozygotes.

Submissions (3):

CeGaT Center for Human Genetics Tuebingen
Classification: Benign. Last evaluated: 2023-07-01. Review status: criteria provided, single submitter. Criteria: CeGaT Center For Human Genetics Tuebingen Variant Classification Criteria Version 2. Collection method: clinical testing. Allele origin: germline. Affected: yes. Observed: 9 variant alleles.
Comment: DHCR7: BS1, BS2

Illumina Laboratory Services, Illumina
Classification: Uncertain significance for Smith-Lemli-Opitz syndrome. Last evaluated: 2018-01-13. Review status: criteria provided, single submitter. Criteria: ICSL Variant Classification Criteria 13 December 2019. Collection method: clinical testing. Allele origin: germline.

Breakthrough Genomics
Classification: Uncertain significance. Review status: criteria provided, single submitter. Criteria: ACMG Guidelines, 2015. Collection method: not provided. Allele origin: germline. Inheritance: Autosomal recessive inheritance. Affected: yes.

NM_001360.3(DHCR7):c.*226C>T

Gene: DHCR7 (7-dehydrocholesterol reductase; minus strand). Cytogenetic location: 11q13.4.
Variant type: single nucleotide variant.
Coding change: c.*226C>T on transcript NM_001360.3 (MANE Select); 226 bases downstream of the stop codon, C replaced by T.
Molecular consequence: 3 prime UTR variant.
Genome position (GRCh38, 1-based): chr11:71,435,149, G>A on the plus strand (C>T on the coding strand, the complement: DHCR7 is on the minus strand). VCF-style: chr11-71435149-G-A. GRCh37 (hg19) VCF-style: chr11-71146195-G-A.
Other names: c.*226C>T (NM_001163817.2).
Identifiers: ClinVar variation 881160 (VCV000881160.33), dbSNP rs185557595, ClinGen allele CA6162204.